The following is an entry in ClinVar:

NM_013266.4(CTNNA3):c.2071A>G (p.Ile691Val)

Gene: CTNNA3 (catenin alpha 3; minus strand). Cytogenetic location: 10q21.3.
Variant type: single nucleotide variant.
Coding change: c.2071A>G on transcript NM_013266.4 (MANE Select); coding-DNA position 2071, A replaced by G.
Protein change: p.Ile691Val; replaces isoleucine 691 with valine.
Molecular consequence: missense variant.
Genome position (GRCh38, 1-based): chr10:66,069,396, T>C on the plus strand (A>G on the coding strand, the complement: CTNNA3 is on the minus strand). VCF-style: chr10-66069396-T-C. GRCh37 (hg19) VCF-style: chr10-67829154-T-C.
Other names: c.2071A>G, p.Ile691Val (NM_001127384.3); c.2071A>G (NM_013266.2); short protein forms I691V.
Identifiers: ClinVar variation 1984373 (VCV001984373.6), dbSNP rs374172412, ClinGen allele CA5519706.
Genomic context (GRCh38, chr10:66,069,396, plus strand): 5'-TCATACACATGTTCTTGGCCAGAACAATGATGTCGTTGCTTGTATCATCCCATATCTCAA[T>C]CTCAGCATCCAGCTTACTCTTTACTTTCTTGAAATCAGCAACTTGCTCAGCAATCTTTTC-3'
Protein context (NP_037398.2, residues 681-701): KKVKSKLDAE[Ile691Val]EIWDDTSNDI

ClinVar aggregate classification (germline): Uncertain significance. Review status: criteria provided, multiple submitters, no conflicts (2 of 4 stars). 2 submissions from 2 submitters: Uncertain significance (2). Last evaluated 2024-04-17.

Conditions:
Arrhythmogenic right ventricular dysplasia 13. Also called: ARRHYTHMOGENIC RIGHT VENTRICULAR CARDIOMYOPATHY 13; Arrhythmogenic right ventricular dysplasia, familial, 13. Identifiers: MedGen C3810138, MONDO:0000908, OMIM 615616.

Allele frequency attached by ClinVar (database versions not stated): gnomAD exomes below 0.00001; ExAC 0.00002; TOPMed 0.00002; gnomAD 0.00004; ESP Exome Variant Server 0.00008.
gnomAD v4.1: 8 of 1,613,592 alleles (0.0005%); highest among the groups gnomAD compares: African/African-American, 0.011%; no homozygotes.

Submissions (2):

Labcorp Genetics (formerly Invitae), Labcorp
Classification: Uncertain significance for Arrhythmogenic right ventricular dysplasia 13. Last evaluated: 2024-04-17. Review status: criteria provided, single submitter. Criteria: Invitae Variant Classification Sherloc (09022015). Collection method: clinical testing. Allele origin: germline.
Comment: This sequence change replaces isoleucine, which is neutral and non-polar, with valine, which is neutral and non-polar, at codon 691 of the CTNNA3 protein (p.Ile691Val). This variant is present in population databases (rs374172412, gnomAD 0.01%). This variant has not been reported in the literature in individuals affected with CTNNA3-related conditions. ClinVar contains an entry for this variant (Variation ID: 1984373). Advanced modeling of protein sequence and biophysical properties (such as structural, functional, and spatial information, amino acid conservation, physicochemical variation, residue mobility, and thermodynamic stability) performed at Invitae indicates that this missense variant is not expected to disrupt CTNNA3 protein function with a negative predictive value of 80%. In summary, the available evidence is currently insufficient to determine the role of this variant in disease. Therefore, it has been classified as a Variant of Uncertain Significance.

Ambry Genetics
Classification: Uncertain significance. Last evaluated: 2023-03-23. Review status: criteria provided, single submitter. Criteria: Ambry Variant Classification Scheme 2023. Collection method: clinical testing. Allele origin: germline.
Comment: The p.I691V variant (also known as c.2071A>G), located in coding exon 14 of the CTNNA3 gene, results from an A to G substitution at nucleotide position 2071. The isoleucine at codon 691 is replaced by valine, an amino acid with highly similar properties. This amino acid position is conserved. In addition, this alteration is predicted to be tolerated by in silico analysis. Since supporting evidence is limited at this time, the clinical significance of this alteration remains unclear.